The following is an entry in ClinVar:

ClinVar aggregate classification (germline): Likely benign (1 of 4 stars; one submission).

Conditions:
LRRC45-related disorder. Also called: LRRC45-related condition.

Submission:

PreventionGenetics, part of Exact Sciences
Classification: Likely benign for LRRC45-related condition. Last evaluated: 2025-04-28. Review status: criteria provided, single submitter. Criteria: ACMG Guidelines, 2015. Collection method: clinical testing. Allele origin: germline.
Comment: This variant is classified as likely benign based on ACMG/AMP sequence variant interpretation guidelines (Richards et al. 2015 PMID: 25741868, with internal and published modifications).

NM_144999.4(LRRC45):c.759G>A (p.Glu253=)

Gene: LRRC45 (leucine rich repeat containing 45; plus strand). Cytogenetic location: 17q25.3.
Variant type: single nucleotide variant.
Coding change: c.759G>A on transcript NM_144999.4 (MANE Select); coding-DNA position 759, G replaced by A.
Protein change: p.Glu253=; no amino-acid change (glutamic acid 253 retained).
Molecular consequence: synonymous variant.
Genome position (GRCh38, 1-based): chr17:82,026,996, G>A. VCF-style: chr17-82026996-G-A. GRCh37 (hg19) VCF-style: chr17-79984872-G-A.
Identifiers: ClinVar variation 4979054 (VCV004979054.1).